The following is an entry in ClinVar:

ClinVar aggregate classification (germline): Benign/Likely benign. Review status: criteria provided, multiple submitters, no conflicts (2 of 4 stars). 3 submissions from 3 submitters: Benign (1); Likely benign (2). Last evaluated 2025-10-12.

Conditions:
Familial cancer of breast. Also called: Hereditary breast cancer; hereditary breast carcinoma; BREAST CANCER, FAMILIAL. Identifiers: Orphanet 227535, MedGen C0346153, MONDO:0016419, OMIM 114480. Disease mechanism: loss of function.
Hereditary cancer-predisposing syndrome. Also called: Neoplastic Syndromes, Hereditary; Tumor predisposition; Hereditary Cancer Syndrome; Hereditary neoplastic syndrome. Identifiers: Orphanet 140162, MedGen C0027672, MeSH D009386, MONDO:0015356.
Ataxia-telangiectasia syndrome (AT). Also called: Ataxia telangiectasia (A-T); ATAXIA-TELANGIECTASIA, COMPLEMENTATION GROUP A; ATAXIA-TELANGIECTASIA, FRESNO VARIANT; Ataxia-telangiectasia; Ataxia-telangiectasia, complementation group E; LOUIS-BAR SYNDROME. Identifiers: Orphanet 100, MedGen C0004135, MONDO:0008840, OMIM 208900.

Allele frequency attached by ClinVar (database versions not stated): gnomAD exomes below 0.00001.
gnomAD v4.1: 6 of 1,614,022 alleles (0.00037%); highest among the groups gnomAD compares: Non-Finnish European, 0.00051%; no homozygotes.

Submissions (3):

Labcorp Genetics (formerly Invitae), Labcorp
Classification: Likely benign for Ataxia-telangiectasia syndrome. Last evaluated: 2025-10-12. Review status: criteria provided, single submitter. Criteria: Invitae Variant Classification Sherloc (09022015). Collection method: clinical testing. Allele origin: germline.

Myriad Genetics, Inc.
Classification: Benign for Familial cancer of breast. Last evaluated: 2024-06-12. Review status: criteria provided, single submitter. Criteria: Myriad Autosomal Dominant, Autosomal Recessive and X-Linked Classification Criteria (2023). Collection method: clinical testing. Allele origin: unknown.
Comment: This variant is considered benign. This variant is a silent/synonymous amino acid change and it is not expected to impact splicing.

Ambry Genetics
Classification: Likely benign for Hereditary cancer-predisposing syndrome. Last evaluated: 2024-05-02. Review status: criteria provided, single submitter. Criteria: Ambry Variant Classification Scheme 2023. Collection method: clinical testing. Allele origin: germline.

NM_000051.4(ATM):c.7029C>T (p.Asn2343=)

Genes: ATM (ATM serine/threonine kinase; plus strand), C11orf65 (chromosome 11 open reading frame 65; minus strand). Cytogenetic location: 11q22.3.
Variant type: single nucleotide variant.
Coding change: c.7029C>T on transcript NM_000051.4 (MANE Select); coding-DNA position 7029, C replaced by T.
Protein change: p.Asn2343=; no amino-acid change (asparagine 2343 retained).
Molecular consequence: synonymous variant. On other transcripts: intron variant (2).
Genome position (GRCh38, 1-based): chr11:108,327,698, C>T. VCF-style: chr11-108327698-C-T. GRCh37 (hg19) VCF-style: chr11-108198425-C-T.
Other names: c.7029C>T, p.Asn2343= (NM_001351834.2); c.641-18627G>A (NM_001330368.2); c.*38+7522G>A (NM_001351110.2).
Identifiers: ClinVar variation 1143433 (VCV001143433.11), dbSNP rs1251099495, ClinGen allele CA476676460.